The following is an entry in ClinVar:

ClinVar aggregate classification (germline): Conflicting classifications of pathogenicity. Review status: criteria provided, conflicting classifications (1 of 4 stars). 2 submissions from 2 submitters: Uncertain significance (1); Likely benign (1). Last evaluated 2024-12-13.

Conditions:
Hereditary breast ovarian cancer syndrome. Also called: BRCA1- and BRCA2-Associated Hereditary Breast and Ovarian Cancer; Hereditary breast and ovarian cancer; Hereditary breast and ovarian cancer syndrome; Breast and ovarian cancer; Hereditary breast and ovarian cancer syndrome (HBOC); Hereditary breast and/or ovarian cancer syndrome. Identifiers: Orphanet 145, MedGen C0677776, MeSH D061325, MONDO:0003582. Disease mechanism: loss of function.
Hereditary cancer-predisposing syndrome. Also called: Neoplastic Syndromes, Hereditary; Tumor predisposition; Hereditary neoplastic syndrome; Hereditary Cancer Syndrome. Identifiers: Orphanet 140162, MedGen C0027672, MeSH D009386, MONDO:0015356.

Submissions (2):

Ambry Genetics
Classification: Likely benign for Hereditary cancer-predisposing syndrome. Last evaluated: 2024-12-13. Review status: criteria provided, single submitter. Criteria: Ambry Variant Classification Scheme 2023. Collection method: clinical testing. Allele origin: germline.

Labcorp Genetics (formerly Invitae), Labcorp
Classification: Uncertain significance for Hereditary breast ovarian cancer syndrome. Last evaluated: 2023-08-06. Review status: criteria provided, single submitter. Criteria: Invitae Variant Classification Sherloc (09022015). Collection method: clinical testing. Allele origin: germline.
Comment: In summary, the available evidence is currently insufficient to determine the role of this variant in disease. Therefore, it has been classified as a Variant of Uncertain Significance. Advanced modeling of protein sequence and biophysical properties (such as structural, functional, and spatial information, amino acid conservation, physicochemical variation, residue mobility, and thermodynamic stability) performed at Invitae indicates that this missense variant is not expected to disrupt BRCA2 protein function. This sequence change replaces glutamic acid, which is acidic and polar, with glutamine, which is neutral and polar, at codon 1511 of the BRCA2 protein (p.Glu1511Gln). This variant is not present in population databases (gnomAD no frequency). This variant has not been reported in the literature in individuals affected with BRCA2-related conditions.

NM_000059.4(BRCA2):c.4531G>C (p.Glu1511Gln)

Gene: BRCA2 (BRCA2 DNA repair associated; plus strand). Cytogenetic location: 13q13.1.
Variant type: single nucleotide variant.
Coding change: c.4531G>C on transcript NM_000059.4 (MANE Select); coding-DNA position 4531, G replaced by C.
Protein change: p.Glu1511Gln; replaces glutamic acid 1511 with glutamine.
Molecular consequence: missense variant. On other transcripts: non-coding transcript variant (1), intron variant (2).
Genome position (GRCh38, 1-based): chr13:32,338,886, G>C. VCF-style: chr13-32338886-G-C. GRCh37 (hg19) VCF-style: chr13-32913023-G-C.
Other names: c.4531G>C, p.Glu1511Gln (NM_001406719.1, NM_001406720.1); c.1909+5499G>C (NM_001406721.1); c.425-5672G>C (NM_001406722.1); short protein forms E1511Q.
Identifiers: ClinVar variation 3011690 (VCV003011690.4), dbSNP rs376338226, ClinGen allele CA387781704.